The following is an entry in ClinVar:

ClinVar aggregate classification (germline): Uncertain significance (1 of 4 stars; one submission).

Conditions:
Cardiovascular phenotype. Identifiers: MedGen CN230736.

gnomAD v4.1: 1 of 1,474,530 alleles (0.000068%); no homozygotes.

Submission:

Ambry Genetics
Classification: Uncertain significance for Cardiovascular phenotype. Last evaluated: 2025-06-09. Review status: criteria provided, single submitter. Criteria: Ambry Variant Classification Scheme 2023. Collection method: clinical testing. Allele origin: germline.
Comment: The p.V90M variant (also known as c.268G>A), located in coding exon 1 of the SNTA1 gene, results from a G to A substitution at nucleotide position 268. The valine at codon 90 is replaced by methionine, an amino acid with highly similar properties. This amino acid position is conserved. In addition, this alteration is predicted to be tolerated by in silico analysis. Based on the available evidence, the clinical significance of this variant remains unclear.

NM_003098.3(SNTA1):c.268G>A (p.Val90Met)

Genes: SNTA1 (syntrophin alpha 1; minus strand), LOC130065679 (ATAC-STARR-seq lymphoblastoid silent region 12811; plus strand). Cytogenetic location: 20q11.21.
Variant type: single nucleotide variant.
Coding change: c.268G>A on transcript NM_003098.3 (MANE Select); coding-DNA position 268, G replaced by A.
Protein change: p.Val90Met; replaces valine 90 with methionine.
Molecular consequence: missense variant.
Genome position (GRCh38, 1-based): chr20:33,443,353, C>T on the plus strand (G>A on the coding strand, the complement: SNTA1 is on the minus strand). VCF-style: chr20-33443353-C-T. GRCh37 (hg19) VCF-style: chr20-32031159-C-T.
Other names: c.268G>A, p.Val90Met (NM_001424413.1, NM_001424414.1); short protein forms V90M.
Identifiers: ClinVar variation 3959300 (VCV003959300.1).